The following is an entry in ClinVar:

NM_001379110.1(SLC9A6):c.744-6C>T

Gene: SLC9A6 (solute carrier family 9 member A6; plus strand). Cytogenetic location: Xq26.3.
Variant type: single nucleotide variant.
Coding change: c.744-6C>T on transcript NM_001379110.1 (MANE Select); 6 bases into the intron before coding-DNA position 744, C replaced by T.
Molecular consequence: intron variant.
Genome position (GRCh38, 1-based): chrX:136,010,436, C>T. VCF-style: chrX-136010436-C-T. GRCh37 (hg19) VCF-style: chrX-135092595-C-T.
Other names: p.?; c.900-6C>T (NM_001042537.2); c.804-6C>T (NM_006359.3); c.744-6C>T (NM_001177651.2); c.648-6C>T (NM_001330652.2).
Identifiers: ClinVar variation 139201 (VCV000139201.18), dbSNP rs17001258, ClinGen allele CA295173.

ClinVar aggregate classification (germline): Benign. Review status: criteria provided, multiple submitters, no conflicts (2 of 4 stars). 5 submissions from 5 submitters: Benign (5). Last evaluated 2026-01-28.

Conditions:
Christianson syndrome (MRXSCH). Also called: SLC9A6-Related Syndromic Mental Retardation; X-linked mental retardation, syndromic, Christianson type; INTELLECTUAL DEVELOPMENTAL DISORDER, X-LINKED, SYNDROMIC, CHRISTIANSON TYPE. Identifiers: Orphanet 85278, MedGen C2678194, MONDO:0010278, OMIM 300243.

Allele frequency attached by ClinVar (database versions not stated): ExAC 0.00635; gnomAD 0.01735 and 0.01856; 1000 Genomes Project 30x 0.01873; 1000 Genomes Project 0.01934; TOPMed 0.01989; ESP Exome Variant Server 0.02083; gnomAD exomes 0.00172 and 0.00498.
gnomAD v4.1: 3,906 of 1,208,872 alleles (0.32%); highest among the groups gnomAD compares: African/African-American, 6%; 69 homozygotes.

Submissions (5):

Labcorp Genetics (formerly Invitae), Labcorp
Classification: Benign for Christianson syndrome. Last evaluated: 2026-01-28. Review status: criteria provided, single submitter. Criteria: Invitae Variant Classification Sherloc (09022015). Collection method: clinical testing. Allele origin: germline.

Mayo Clinic Laboratories, Mayo Clinic
Classification: Benign. Last evaluated: 2023-11-17. Review status: criteria provided, single submitter. Criteria: ACMG Guidelines, 2015. Collection method: clinical testing. Allele origin: germline. Observed: 26 variant alleles.

Genetic Services Laboratory, University of Chicago
Classification: Benign. Last evaluated: 2013-02-08. Review status: criteria provided, single submitter. Criteria: ACMG Guidelines, 2007. Collection method: clinical testing. Allele origin: germline. Inheritance: X-linked inheritance.

GeneDx
Classification: Benign. Last evaluated: 2012-05-10. Review status: criteria provided, single submitter. Criteria: GeneDx Variant Classification (06012015). Collection method: clinical testing. Allele origin: germline. Affected: yes.
Comment: This variant is considered likely benign or benign based on one or more of the following criteria: it is a conservative change, it occurs at a poorly conserved position in the protein, it is predicted to be benign by multiple in silico algorithms, and/or has population frequency not consistent with disease.

PreventionGenetics, part of Exact Sciences
Classification: Benign. Review status: criteria provided, single submitter. Criteria: ACMG Guidelines, 2015. Collection method: clinical testing. Allele origin: germline.